The following is an entry in ClinVar:

ClinVar aggregate classification (germline): Conflicting classifications of pathogenicity. Review status: criteria provided, conflicting classifications (1 of 4 stars). 3 submissions from 2 submitters: Uncertain significance (2); Likely benign (1). Last evaluated 2023-06-04.

Conditions:
Transitory neonatal diabetes mellitus. Also called: Transient neonatal diabetes mellitus. Identifiers: MedGen C0342273, MONDO:0020525, HP:0008255.
Maturity-onset diabetes of the young (MODY). Also called: Maturity onset diabetes mellitus in young. Identifiers: Orphanet 552, MedGen C0342276, MONDO:0018911, HP:0004904.

gnomAD v4.1: 3 of 1,614,180 alleles (0.00019%); highest among the groups gnomAD compares: Non-Finnish European, 0.00025%; no homozygotes.

Submissions (3):

Labcorp Genetics (formerly Invitae), Labcorp
Classification: Likely benign. Last evaluated: 2023-06-04. Review status: criteria provided, single submitter. Criteria: Invitae Variant Classification Sherloc (09022015). Collection method: clinical testing. Allele origin: germline.

Clinical Genomics, Uppaluri K&H Personalized Medicine Clinic
Classification: Uncertain significance for Transitory neonatal diabetes mellitus. Review status: criteria provided, single submitter. Criteria: K & H Uppaluri Personalized Medicine Clinic Variant Classification & Assertion Criteria_Updated V.1. Collection method: research. Allele origin: unknown. Inheritance: Somatic mutation.
Comment: Mutations in ABCC8 gene are associated with both neonatal diabetes mellitus as well as MODY. Patients with this mutation may have a better response to sulfonylureas. However, no sufficient evidence is found to ascertain the role of this particular variant (rs149279510) in neonatal diabetes yet.

Clinical Genomics, Uppaluri K&H Personalized Medicine Clinic
Classification: Uncertain significance for Maturity-onset diabetes of the young. Review status: criteria provided, single submitter. Criteria: K & H Uppaluri Personalized Medicine Clinic Variant Classification & Assertion Criteria_Updated V.1. Collection method: research. Allele origin: unknown. Inheritance: Somatic mutation.
Comment: Mutations in ABCC8 gene are associated with both neonatal diabetes mellitus as well as MODY. Patients with this mutation may have a better response to sulfonylureas. However, no sufficient evidence is found to ascertain the role of this particular variant (rs149279510) in MODY yet.

Literature cited by the submitters: PubMed 16885549 (cited by Clinical Genomics, Uppaluri K&H Personalized Medicine Clinic); PubMed 21989597 (cited by Clinical Genomics, Uppaluri K&H Personalized Medicine Clinic); PubMed 27538677 (cited by Clinical Genomics, Uppaluri K&H Personalized Medicine Clinic); PubMed 18981553 (cited by Clinical Genomics, Uppaluri K&H Personalized Medicine Clinic); PubMed 32027066 (cited by Clinical Genomics, Uppaluri K&H Personalized Medicine Clinic); PubMed 16613899 (cited by Clinical Genomics, Uppaluri K&H Personalized Medicine Clinic); PubMed 18025408 (cited by Clinical Genomics, Uppaluri K&H Personalized Medicine Clinic); PubMed 32792356 (cited by Clinical Genomics, Uppaluri K&H Personalized Medicine Clinic).

NM_000352.6(ABCC8):c.3018C>A (p.Ser1006=)

Gene: ABCC8 (ATP binding cassette subfamily C member 8; minus strand). Cytogenetic location: 11p15.1.
Variant type: single nucleotide variant.
Coding change: c.3018C>A on transcript NM_000352.6 (MANE Select); coding-DNA position 3018, C replaced by A.
Protein change: p.Ser1006=; no amino-acid change (serine 1006 retained).
Molecular consequence: synonymous variant. On other transcripts: non-coding transcript variant (1).
Genome position (GRCh38, 1-based): chr11:17,407,032, G>T on the plus strand (C>A on the coding strand, the complement: ABCC8 is on the minus strand). VCF-style: chr11-17407032-G-T. GRCh37 (hg19) VCF-style: chr11-17428579-G-T.
Other names: c.3021C>A, p.Ser1007= (NM_001287174.3); c.3084C>A, p.Ser1028= (NM_001351295.2); c.3018C>A, p.Ser1006= (NM_001351296.2); c.3015C>A, p.Ser1005= (NM_001351297.2).
Identifiers: ClinVar variation 1687727 (VCV001687727.6), dbSNP rs149279510, ClinGen allele CA473515985.